The following is an entry in ClinVar:

NM_000540.3(RYR1):c.7261G>T (p.Ala2421Ser)

Gene: RYR1 (ryanodine receptor 1; plus strand). Cytogenetic location: 19q13.2.
Variant type: single nucleotide variant.
Coding change: c.7261G>T on transcript NM_000540.3 (MANE Select); coding-DNA position 7261, G replaced by T.
Protein change: p.Ala2421Ser; replaces alanine 2421 with serine.
Molecular consequence: missense variant.
Genome position (GRCh38, 1-based): chr19:38,499,954, G>T. VCF-style: chr19-38499954-G-T. GRCh37 (hg19) VCF-style: chr19-38990594-G-T.
Other names: c.7261G>T, p.Ala2421Ser (NM_001042723.2); short protein forms A2421S.
Identifiers: ClinVar variation 544448 (VCV000544448.22), dbSNP rs193922808, ClinGen allele CA069413.

ClinVar aggregate classification (germline): Conflicting classifications of pathogenicity. Review status: criteria provided, conflicting classifications (1 of 4 stars). 8 submissions from 7 submitters: Likely pathogenic (1); Uncertain significance (7). Last evaluated 2026-05-24.

Conditions:
Malignant hyperthermia, susceptibility to, 1 (MHS1). Also called: Malignant hyperthermia suceptibility 1; Anesthesia related hyperthermia; Malignant hyperpyrexia; Fulminating hyperpyrexia; Pharmacogenic myopathy; RYR1-Related Malignant Hyperthermia Susceptibility. Identifiers: Orphanet 423, MedGen C2930980, MONDO:0007783, OMIM 145600.
Congenital multicore myopathy with external ophthalmoplegia (CMYO1B). Also called: Minicore myopathy with external ophthalmoplegia; MULTIMINICORE DISEASE WITH EXTERNAL OPHTHALMOPLEGIA; MULTICORE MYOPATHY; Congenital myopathy 1B, autosomal recessive; Minicore myopathy. Identifiers: Orphanet 598, Orphanet 98905, MedGen C1850674, MONDO:0009712, OMIM 255320, HP:0003789.
King Denborough syndrome (KDS). Identifiers: MedGen C1840365, MONDO:0020485, OMIM 619542.
Central core myopathy (CMYO1A). Also called: Central core disease; Myopathy, central fibrillar; CONGENITAL MYOPATHY 1A, AUTOSOMAL DOMINANT, WITH SUSCEPTIBILITY TO MALIGNANT HYPERTHERMIA. Identifiers: Orphanet 597, MedGen C5830701, MONDO:0007294, OMIM 117000.
Congenital myopathy with fiber type disproportion. Also called: Congenital fiber-type disproportion; Congenital fiber-type disproportion myopathy. Identifiers: Orphanet 2020, MedGen C0546264, MONDO:0009711. Inheritance: all.
RYR1-related disorder. Also called: RYR1-related disorders; RYR1-related condition. Identifiers: MedGen CN239331.

Allele frequency attached by ClinVar (database versions not stated): gnomAD 0.00010; TOPMed 0.00004; ESP Exome Variant Server 0.00008.
gnomAD v4.1: 67 of 1,612,364 alleles (0.0042%); highest among the groups gnomAD compares: Admixed American, 0.012%; no homozygotes.

Submissions (8):

GeneDx
Classification: Likely pathogenic. Last evaluated: 2026-05-24. Review status: criteria provided, single submitter. Criteria: GeneDx Variant Classification Process June 2021. Collection method: clinical testing. Allele origin: germline.
Comment: In silico analysis supports that this missense variant has a deleterious effect on protein structure/function; Not observed at significant frequency in large population cohorts (gnomAD); Has not been previously published as pathogenic or benign to our knowledge; This variant is associated with the following publications: (PMID: 12668474, 33767344)

Labcorp Genetics (formerly Invitae), Labcorp
Classification: Uncertain significance for RYR1-related disorder. Last evaluated: 2025-12-17. Review status: criteria provided, single submitter. Criteria: Invitae Variant Classification Sherloc (09022015). Collection method: clinical testing. Allele origin: germline.
Comment: This sequence change replaces alanine, which is neutral and non-polar, with serine, which is neutral and polar, at codon 2421 of the RYR1 protein (p.Ala2421Ser). This variant is present in population databases (rs193922808, gnomAD 0.006%). This variant has not been reported in the literature in individuals affected with RYR1-related conditions. ClinVar contains an entry for this variant (Variation ID: 544448). Invitae Evidence Modeling of protein sequence and biophysical properties (such as structural, functional, and spatial information, amino acid conservation, physicochemical variation, residue mobility, and thermodynamic stability) indicates that this missense variant is not expected to disrupt RYR1 protein function with a negative predictive value of 80%. In summary, the available evidence is currently insufficient to determine the role of this variant in disease. Therefore, it has been classified as a Variant of Uncertain Significance.

Color Diagnostics, LLC DBA Color Health
Classification: Uncertain significance for Malignant hyperthermia, susceptibility to, 1. Last evaluated: 2025-11-26. Review status: criteria provided, single submitter. Criteria: ACMG Guidelines, 2015. Collection method: clinical testing. Allele origin: germline.
Comment: This missense variant replaces alanine with serine at codon 2421 of the RYR1 protein. Computational prediction suggests that this variant may have deleterious impact on protein structure and function. This variant occurs in a region of the RYR1 protein that is considered to be a hotspot for pathogenic variants that contribute to malignant hyperthermia susceptibility (PMID: 21118704). To our knowledge, functional studies have not been reported for this variant. This variant has not been reported in individuals affected with RYR1-related disorders in the literature. This variant has been identified in 67/1612364 chromosomes in the general population by the Genome Aggregation Database (gnomAD). The available evidence is insufficient to determine the role of this variant in disease conclusively. Therefore, this variant is classified as a Variant of Uncertain Significance.

All of Us Research Program, National Institutes of Health
Classification: Uncertain significance for Malignant hyperthermia, susceptibility to, 1. Last evaluated: 2024-09-23. Review status: criteria provided, single submitter. Criteria: ACMG Guidelines, 2015. Collection method: clinical testing. Allele origin: germline. Inheritance: Autosomal dominant inheritance. Observed: 20 variant alleles, 20 heterozygotes.
Comment: This missense variant replaces alanine with serine at codon 2421 of the RYR1 protein. Computational prediction tool indicates that this variant may have an uncertain impact on protein structure and function. This variant occurs in a region of the RYR1 protein that is considered to be a hotspot for pathogenic variants that contribute to malignant hyperthermia susceptibility (PMID: 21118704). To our knowledge, functional studies have not been reported for this variant. This variant has not been reported in individuals affected with RYR1-related disorders in the literature. This variant has been identified in 11/282736 chromosomes in the general population by the Genome Aggregation Database (gnomAD). The available evidence is insufficient to determine the role of this variant in disease conclusively. Therefore, this variant is classified as a Variant of Uncertain Significance.

This study involves interpretation of variants in research participants for the purpose of population health screening. Participant phenotype was not available at the time of variant classification. Additional details can be found in publication PMID: 35346344, PMCID: PMC8962531

Revvity Omics, Revvity
Classification: Uncertain significance. Last evaluated: 2024-05-03. Review status: criteria provided, single submitter. Criteria: ACMG Guidelines, 2015. Collection method: clinical testing. Allele origin: germline.

Fulgent Genetics
Classification: Uncertain significance for Central core myopathy; Malignant hyperthermia, susceptibility to, 1; Congenital myopathy 4A, autosomal dominant; Congenital multicore myopathy with external ophthalmoplegia; King Denborough syndrome. Last evaluated: 2021-08-25. Review status: criteria provided, single submitter. Criteria: ACMG Guidelines, 2015. Collection method: clinical testing. Allele origin: unknown.

Illumina Laboratory Services, Illumina
Classification: Uncertain significance for Congenital multicore myopathy with external ophthalmoplegia. Last evaluated: 2018-01-12. Review status: criteria provided, single submitter. Criteria: ICSL Variant Classification Criteria 13 December 2019. Collection method: clinical testing. Allele origin: germline.

Illumina Laboratory Services, Illumina
Classification: Uncertain significance for Malignant hyperthermia, susceptibility to, 1. Last evaluated: 2018-01-12. Review status: criteria provided, single submitter. Criteria: ICSL Variant Classification Criteria 13 December 2019. Collection method: clinical testing. Allele origin: germline.

Literature cited by the submitters: PubMed 21118704 (cited by Color Diagnostics, LLC DBA Color Health and All of Us Research Program, National Institutes of Health).